The following is an entry in ClinVar:

NM_001203.3(BMPR1B):c.1155G>C (p.Glu385Asp)

Gene: BMPR1B (bone morphogenetic protein receptor type 1B; plus strand). Cytogenetic location: 4q22.3.
Variant type: single nucleotide variant.
Coding change: c.1155G>C on transcript NM_001203.3 (MANE Select); coding-DNA position 1155, G replaced by C.
Protein change: p.Glu385Asp; replaces glutamic acid 385 with aspartic acid.
Molecular consequence: missense variant.
Genome position (GRCh38, 1-based): chr4:95,148,826, G>C. VCF-style: chr4-95148826-G-C. GRCh37 (hg19) VCF-style: chr4-96069977-G-C.
Other names: c.1155G>C, p.Glu385Asp (NM_001256792.2, NM_001256794.1); c.1245G>C, p.Glu415Asp (NM_001256793.2); short protein forms E385D, E415D.
Identifiers: ClinVar variation 4788774 (VCV004788774.1).

ClinVar aggregate classification (germline): Uncertain significance (1 of 4 stars; one submission).

Conditions:
Acromesomelic dysplasia 3 (AMD3). Also called: Acromesomelic dysplasia, Demirhan type; CHONDRODYSPLASIA, ACROMESOMELIC, WITH OR WITHOUT GENITAL ANOMALIES. Identifiers: MedGen C4225404, MONDO:0012274, OMIM 609441.
Type A2 brachydactyly (BDA2). Also called: BRACHYMESOPHALANGY II; MOHR-WRIEDT TYPE BRACHYDACTYLY; Brachymesophalangy type 2. Identifiers: Orphanet 93396, MedGen C1832702, MONDO:0007216, OMIM 112600, HP:0009372.

gnomAD v4.1: 2 of 1,614,046 alleles (0.00012%); highest among the groups gnomAD compares: Non-Finnish European, 0.00017%; no homozygotes.

Submission:

Labcorp Genetics (formerly Invitae), Labcorp
Classification: Uncertain significance for Type A2 brachydactyly; Acromesomelic dysplasia 3. Last evaluated: 2026-01-24. Review status: criteria provided, single submitter. Criteria: Invitae Variant Classification Sherloc (09022015). Collection method: clinical testing. Allele origin: germline.
Comment: This sequence change replaces glutamic acid, which is acidic and polar, with aspartic acid, which is acidic and polar, at codon 385 of the BMPR1B protein (p.Glu385Asp). This variant is not present in population databases (gnomAD no frequency). This variant has not been reported in the literature in individuals affected with BMPR1B-related conditions. Invitae Evidence Modeling of protein sequence and biophysical properties (such as structural, functional, and spatial information, amino acid conservation, physicochemical variation, residue mobility, and thermodynamic stability) indicates that this missense variant is not expected to disrupt BMPR1B protein function with a negative predictive value of 80%. In summary, the available evidence is currently insufficient to determine the role of this variant in disease. Therefore, it has been classified as a Variant of Uncertain Significance.